The following is an entry in ClinVar:

NM_001111125.3(IQSEC2):c.428A>T (p.Asp143Val)

Gene: IQSEC2 (IQ motif and Sec7 domain ArfGEF 2; minus strand). Cytogenetic location: Xp11.22.
Variant type: single nucleotide variant.
Coding change: c.428A>T on transcript NM_001111125.3 (MANE Select); coding-DNA position 428, A replaced by T.
Protein change: p.Asp143Val; replaces aspartic acid 143 with valine.
Molecular consequence: missense variant.
Genome position (GRCh38, 1-based): chrX:53,320,696, T>A on the plus strand (A>T on the coding strand, the complement: IQSEC2 is on the minus strand). VCF-style: chrX-53320696-T-A. GRCh37 (hg19) VCF-style: chrX-53349894-T-A.
Other names: short protein forms D143V.
Identifiers: ClinVar variation 1510764 (VCV001510764.8), dbSNP rs2146550650, ClinGen allele CA413239365.
Genomic context (GRCh38, chrX:53,320,696, plus strand): 5'-TTCTCGTGGTGCAGGTGGCACTGGGCCACGTCACGCTCGCGGGCTGTGTAACCGGTAGTG[T>A]CCTGGAGCGGGTAGGAGGCGTCCCGCTCCTTGTCCCGATACACAGCCTCCCGATTCTGGT-3'
Protein context (NP_001104595.1, residues 133-153): KERDASYPLQ[Asp143Val]TTGYTARERD

ClinVar aggregate classification (germline): Uncertain significance (1 of 4 stars; one submission).

Conditions:
Intellectual developmental disorder, X-linked 1. Also called: Intellectual disability, X-linked 1; Atkin Flaitz Patil Smith syndrome; MENTAL RETARDATION, X-LINKED 18; MENTAL RETARDATION, X-LINKED 78. Identifiers: Orphanet 777, MedGen C2931498, MONDO:0010656, OMIM 309530.

Allele frequency attached by ClinVar (database versions not stated): gnomAD exomes below 0.00001.

Submission:

Labcorp Genetics (formerly Invitae), Labcorp
Classification: Uncertain significance for Intellectual developmental disorder, X-linked 1. Last evaluated: 2025-01-06. Review status: criteria provided, single submitter. Criteria: Invitae Variant Classification Sherloc (09022015). Collection method: clinical testing. Allele origin: germline.
Comment: This sequence change replaces aspartic acid, which is acidic and polar, with valine, which is neutral and non-polar, at codon 143 of the IQSEC2 protein (p.Asp143Val). This variant is not present in population databases (gnomAD no frequency). This variant has not been reported in the literature in individuals affected with IQSEC2-related conditions. ClinVar contains an entry for this variant (Variation ID: 1510764). Invitae Evidence Modeling of protein sequence and biophysical properties (such as structural, functional, and spatial information, amino acid conservation, physicochemical variation, residue mobility, and thermodynamic stability) indicates that this missense variant is not expected to disrupt IQSEC2 protein function with a negative predictive value of 95%. In summary, the available evidence is currently insufficient to determine the role of this variant in disease. Therefore, it has been classified as a Variant of Uncertain Significance.